The following is an entry in ClinVar:

ClinVar aggregate classification (germline): Conflicting classifications of pathogenicity. Review status: criteria provided, conflicting classifications (1 of 4 stars). 5 submissions from 5 submitters: Uncertain significance (1); Likely benign (3). 1 of the submissions does not count toward it. Last evaluated 2024-11-17.

Conditions:
BDP1-related disorder. Also called: BDP1-related condition.

Allele frequency attached by ClinVar (database versions not stated): 1000 Genomes Project 0.00020; 1000 Genomes Project 30x 0.00062; ExAC 0.00098; gnomAD exomes 0.00107 and 0.00164; gnomAD 0.00115 and 0.00116; ESP Exome Variant Server 0.00134; TOPMed 0.00137.
gnomAD v4.1: 2,619 of 1,614,028 alleles (0.16%); highest among the groups gnomAD compares: Middle Eastern, 0.26%; 1 homozygote.

Submissions (5):

Blueprint Genetics
Classification: Likely benign. Last evaluated: 2024-11-17. Review status: criteria provided, single submitter. Criteria: ACMG Guidelines, 2015. Collection method: clinical testing. Allele origin: germline.

Ambry Genetics
Classification: Uncertain significance. Last evaluated: 2024-06-16. Review status: criteria provided, single submitter. Criteria: Ambry Variant Classification Scheme 2023. Collection method: clinical testing. Allele origin: germline.

GeneDx
Classification: Likely benign. Last evaluated: 2020-08-26. Review status: criteria provided, single submitter. Criteria: GeneDx Variant Classification Process June 2021. Collection method: clinical testing. Allele origin: germline. Affected: yes.

Breakthrough Genomics
Classification: Likely benign. Review status: criteria provided, single submitter. Criteria: ACMG Guidelines, 2015. Collection method: not provided. Allele origin: germline. Inheritance: Autosomal recessive inheritance. Affected: yes.

PreventionGenetics, part of Exact Sciences
Classification: Likely benign for BDP1-related condition. Last evaluated: 2023-11-28. Review status: no assertion criteria provided. Collection method: clinical testing. Allele origin: germline. Not counted in ClinVar's aggregate classification.
Comment: This variant is classified as likely benign based on ACMG/AMP sequence variant interpretation guidelines (Richards et al. 2015 PMID: 25741868, with internal and published modifications).

NM_018429.3(BDP1):c.2788G>A (p.Glu930Lys)

Gene: BDP1 (BDP1 general transcription factor IIIB subunit; plus strand). Cytogenetic location: 5q13.2.
Variant type: single nucleotide variant.
Coding change: c.2788G>A on transcript NM_018429.3 (MANE Select); coding-DNA position 2788, G replaced by A.
Protein change: p.Glu930Lys; replaces glutamic acid 930 with lysine.
Molecular consequence: missense variant.
Genome position (GRCh38, 1-based): chr5:71,509,880, G>A. VCF-style: chr5-71509880-G-A. GRCh37 (hg19) VCF-style: chr5-70805707-G-A.
Other names: short protein forms E930K.
Identifiers: ClinVar variation 682988 (VCV000682988.7), dbSNP rs200304584, ClinGen allele CA3296367.